The following is an entry in ClinVar:

NM_000197.2(HSD17B3):c.276C>T (p.Ile92=)

Genes: HSD17B3 (hydroxysteroid 17-beta dehydrogenase 3; minus strand), SLC35D2-HSD17B3 (SLC35D2-HSD17B3 readthrough; minus strand). Cytogenetic location: 9q22.32.
Variant type: single nucleotide variant.
Coding change: c.276C>T on transcript NM_000197.2 (MANE Select); coding-DNA position 276, C replaced by T.
Protein change: p.Ile92=; no amino-acid change (isoleucine 92 retained).
Molecular consequence: synonymous variant.
Genome position (GRCh38, 1-based): chr9:96,254,869, G>A on the plus strand (C>T on the coding strand, the complement: HSD17B3 is on the minus strand). VCF-style: chr9-96254869-G-A. GRCh37 (hg19) VCF-style: chr9-99017151-G-A.
Identifiers: ClinVar variation 1437782 (VCV001437782.3), dbSNP rs143401138, ClinGen allele CA5140483.

ClinVar aggregate classification (germline): Uncertain significance (1 of 4 stars; one submission).

Allele frequency attached by ClinVar (database versions not stated): gnomAD 0.00008; 1000 Genomes Project 0.00020; ESP Exome Variant Server 0.00023; 1000 Genomes Project 30x 0.00031; ExAC 0.00009; TOPMed 0.00011.
gnomAD v4.1: 74 of 1,613,578 alleles (0.0046%); highest among the groups gnomAD compares: African/African-American, 0.012%; no homozygotes.

Submission:

Labcorp Genetics (formerly Invitae), Labcorp
Classification: Uncertain significance. Last evaluated: 2022-10-17. Review status: criteria provided, single submitter. Criteria: Invitae Variant Classification Sherloc (09022015). Collection method: clinical testing. Allele origin: germline.
Comment: This sequence change affects codon 92 of the HSD17B3 mRNA. It is a 'silent' change, meaning that it does not change the encoded amino acid sequence of the HSD17B3 protein. It affects a nucleotide within the consensus splice site. This variant is present in population databases (rs143401138, gnomAD 0.03%). This variant has not been reported in the literature in individuals affected with HSD17B3-related conditions. ClinVar contains an entry for this variant (Variation ID: 1437782). Algorithms developed to predict the effect of sequence changes on RNA splicing suggest that this variant is not likely to affect RNA splicing. In summary, the available evidence is currently insufficient to determine the role of this variant in disease. Therefore, it has been classified as a Variant of Uncertain Significance.